The following is an entry in ClinVar:

NM_003060.4(SLC22A5):c.1403C>A (p.Thr468Lys)

Gene: SLC22A5 (solute carrier family 22 member 5; plus strand). Cytogenetic location: 5q31.1.
Variant type: single nucleotide variant.
Coding change: c.1403C>A on transcript NM_003060.4 (MANE Select); coding-DNA position 1403, C replaced by A.
Protein change: p.Thr468Lys; replaces threonine 468 with lysine.
Molecular consequence: missense variant.
Genome position (GRCh38, 1-based): chr5:132,392,568, C>A. VCF-style: chr5-132392568-C-A. GRCh37 (hg19) VCF-style: chr5-131728260-C-A.
Other names: p.Thr468Lys; c.1475C>A, p.Thr492Lys (NM_001308122.2); short protein forms T468K, T492K.
Identifiers: ClinVar variation 529852 (VCV000529852.14), dbSNP rs386134221, ClinGen allele CA3404149.
Genomic context (GRCh38, chr5:132,392,568, plus strand): 5'-TGTACACAGCCGAGCTGTATCCCACAGTGGTGAGAAACATGGGTGTGGGAGTCAGCTCCA[C>A]AGCATCCCGCCTGGGCAGCATCCTGTCTCCCTACTTCGTTTACCTTGGTAAGTCCCATGA-3'
Protein context (NP_003051.1, residues 458-478): VRNMGVGVSS[Thr468Lys]ASRLGSILSP

ClinVar aggregate classification (germline): Conflicting classifications of pathogenicity. Review status: criteria provided, conflicting classifications (1 of 4 stars). 4 submissions from 4 submitters: Pathogenic (1); Likely pathogenic (1); Uncertain significance (1). 1 of the submissions does not count toward it. Last evaluated 2026-01-22.

Conditions:
Decreased circulating carnitine concentration. Also called: Decreased plasma carnitine. Identifiers: MedGen C5848230, HP:0003234.
Renal carnitine transport defect (CDSP). Also called: Primary carnitine deficiency; Systemic primary carnitine deficiency disease; CARNITINE DEFICIENCY, SYSTEMIC, DUE TO DEFECT IN RENAL REABSORPTION OF CARNITINE; CARNITINE TRANSPORTER, PLASMA-MEMBRANE, DEFICIENCY OF; CARNITINE UPTAKE DEFECT; Systemic primary carnitine deficiency. Identifiers: Orphanet 158, MedGen C0342788, MONDO:0008919, OMIM 212140.

Allele frequency attached by ClinVar (database versions not stated): ExAC 0.00001; gnomAD 0.00003 and 0.00004; TOPMed 0.00004.
gnomAD v4.1: 8 of 1,614,078 alleles (0.0005%); highest among the groups gnomAD compares: African/African-American, 0.011%; no homozygotes.

Submissions (4):

GeneDx
Classification: Likely pathogenic. Last evaluated: 2026-01-22. Review status: criteria provided, single submitter. Criteria: GeneDx Variant Classification Process June 2021. Collection method: clinical testing. Allele origin: germline.
Comment: Has not been previously published as pathogenic or benign to our knowledge; In silico analysis suggests that this missense variant does not alter protein structure/function; Not observed at significant frequency in large population cohorts (gnomAD); This variant is associated with the following publications: (PMID: 40624458)

Labcorp Genetics (formerly Invitae), Labcorp
Classification: Pathogenic for Renal carnitine transport defect. Last evaluated: 2026-01-16. Review status: criteria provided, single submitter. Criteria: Invitae Variant Classification Sherloc (09022015). Collection method: clinical testing. Allele origin: germline.
Comment: This sequence change replaces threonine, which is neutral and polar, with lysine, which is basic and polar, at codon 468 of the SLC22A5 protein (p.Thr468Lys). This variant is present in population databases (rs386134221, gnomAD 0.01%). This missense change has been observed in individual(s) with carnitine deficiency (internal data). In at least one individual the data is consistent with being in trans (on the opposite chromosome) from a pathogenic variant. ClinVar contains an entry for this variant (Variation ID: 529852). Invitae Evidence Modeling of protein sequence and biophysical properties (such as structural, functional, and spatial information, amino acid conservation, physicochemical variation, residue mobility, and thermodynamic stability) indicates that this missense variant is expected to disrupt SLC22A5 protein function with a positive predictive value of 95%. This variant disrupts the p.Thr468 amino acid residue in SLC22A5. Other variant(s) that disrupt this residue have been determined to be pathogenic (PMID: 12210323, 15714519, 16652335). This suggests that this residue is clinically significant, and that variants that disrupt this residue are likely to be disease-causing. For these reasons, this variant has been classified as Pathogenic.

Giacomini Lab, University of California, San Francisco
Classification: Uncertain significance for Renal carnitine transport defect. Last evaluated: 2022-10-03. Review status: criteria provided, single submitter. Criteria: ACMG Guidelines, 2015. Collection method: research, in vitro. Allele origin: germline, not applicable.

Natera, Inc.
Classification: Uncertain significance for Carnitine deficiency. Last evaluated: 2021-07-19. Review status: no assertion criteria provided. Collection method: clinical testing. Allele origin: germline. Not counted in ClinVar's aggregate classification.

Literature cited by the submitters: PubMed 12210323 (cited by Labcorp Genetics (formerly Invitae), Labcorp); PubMed 15714519 (cited by Labcorp Genetics (formerly Invitae), Labcorp); PubMed 16652335 (cited by Labcorp Genetics (formerly Invitae), Labcorp).